The following is an entry in ClinVar:

NM_004990.4(MARS1):c.688GAG[2] (p.Glu232del)

Gene: MARS1 (methionyl-tRNA synthetase 1; plus strand). Cytogenetic location: 12q13.3.
Variant type: Microsatellite.
Coding change: c.688GAG[2] on transcript NM_004990.4 (MANE Select); two copies in a row of the 3-base unit GAG starting at c.688; the reference has three copies in a row; one copy, 3 bases deleted.
Protein change: p.Glu232del; deletes glutamic acid 232.
Molecular consequence: inframe deletion.
Genome position (GRCh38, 1-based): chr12:57,490,568-57,490,570, GAG deleted; deleting any 3 consecutive bases within chr12:57,490,562-57,490,570 gives the same sequence; the position shown is the placement nearest the transcript's 3' end. VCF-style (leftmost placement, unchanged base first): chr12-57490561-TGAG-T. GRCh37 (hg19) VCF-style: chr12-57884344-TGAG-T.
Other names: short protein forms E232del.
Identifiers: ClinVar variation 2947331 (VCV002947331.3), dbSNP rs2540262175, ClinGen allele CA2619463344.

ClinVar aggregate classification (germline): Uncertain significance (1 of 4 stars; one submission).

Conditions:
Charcot-Marie-Tooth disease axonal type 2U. Also called: CHARCOT-MARIE-TOOTH NEUROPATHY, TYPE 2U; CHARCOT-MARIE-TOOTH DISEASE, AXONAL, AUTOSOMAL DOMINANT, TYPE 2U. Identifiers: Orphanet 397735, MedGen C4084821, MONDO:0014566, OMIM 616280.
Severe early-onset pulmonary alveolar proteinosis due to MARS deficiency. Also called: PULMONARY ALVEOLAR PROTEINOSIS, REUNION ISLAND; Interstitial lung and liver disease. Identifiers: Orphanet 440427, MedGen C4225400, MONDO:0014206, OMIM 615486.

Submission:

Labcorp Genetics (formerly Invitae), Labcorp
Classification: Uncertain significance for Charcot-Marie-Tooth disease axonal type 2U; Severe early-onset pulmonary alveolar proteinosis due to MARS deficiency. Last evaluated: 2024-01-17. Review status: criteria provided, single submitter. Criteria: Invitae Variant Classification Sherloc (09022015). Collection method: clinical testing. Allele origin: germline.
Comment: This variant, c.694_696del, results in the deletion of 1 amino acid(s) of the MARS protein (p.Glu232del), but otherwise preserves the integrity of the reading frame. This variant is not present in population databases (gnomAD no frequency). This variant has not been reported in the literature in individuals affected with MARS-related conditions. Experimental studies and prediction algorithms are not available or were not evaluated, and the functional significance of this variant is currently unknown. In summary, the available evidence is currently insufficient to determine the role of this variant in disease. Therefore, it has been classified as a Variant of Uncertain Significance.